The following is an entry in ClinVar:

ClinVar aggregate classification (germline): Likely benign (1 of 4 stars; one submission).

Allele frequency attached by ClinVar (database versions not stated): ESP Exome Variant Server 0.00023; gnomAD 0.00031; TOPMed 0.00036; gnomAD exomes 0.00041; 1000 Genomes Project 0.00060; 1000 Genomes Project 30x 0.00062; ExAC 0.00136.
gnomAD v4.1: 650 of 1,614,180 alleles (0.04%); highest among the groups gnomAD compares: South Asian, 0.34%; 12 homozygotes.

Submission:

CeGaT Center for Human Genetics Tuebingen
Classification: Likely benign. Last evaluated: 2026-04-01. Review status: criteria provided, single submitter. Criteria: CeGaT Center For Human Genetics Tuebingen Variant Classification Criteria Version 2. Collection method: clinical testing. Allele origin: germline. Affected: yes. Observed: 10 variant alleles.
Comment: NF1: BS1

NM_001042492.3(NF1):c.4836-20486T>C

Genes: EVI2B (ecotropic viral integration site 2B; minus strand), NF1 (neurofibromin 1; plus strand). Cytogenetic location: 17q11.2.
Variant type: single nucleotide variant.
Coding change: c.4836-20486T>C on transcript NM_001042492.3 (MANE Select); 20486 bases into the intron before coding-DNA position 4836, T replaced by C.
Molecular consequence: intron variant. On other transcripts: synonymous variant (1).
Genome position (GRCh38, 1-based): chr17:31,305,334, T>C. VCF-style: chr17-31305334-T-C. GRCh37 (hg19) VCF-style: chr17-29632352-T-C.
Other names: c.276A>G, p.Pro92= (NM_006495.4); c.4773-20486T>C (NM_000267.4).
Identifiers: ClinVar variation 2647635 (VCV002647635.24), dbSNP rs201399165, ClinGen allele CA8486829.